The following is an entry in ClinVar:

NM_000390.4(CHM):c.1019C>A (p.Ser340Ter)

Gene: CHM (CHM Rab escort protein; minus strand). Cytogenetic location: Xq21.2.
Variant type: single nucleotide variant.
Coding change: c.1019C>A on transcript NM_000390.4 (MANE Select); coding-DNA position 1019, C replaced by A.
Protein change: p.Ser340Ter; replaces serine 340 with a stop codon.
Molecular consequence: nonsense.
Genome position (GRCh38, 1-based): chrX:85,956,300, G>T on the plus strand (C>A on the coding strand, the complement: CHM is on the minus strand). VCF-style: chrX-85956300-G-T. GRCh37 (hg19) VCF-style: chrX-85211305-G-T.
Other names: c.1019C>A (LRG_699t1); c.575C>A, p.Ser192Ter (NM_001320959.1, NM_001362517.1, NM_001362518.2 and 1 more transcripts); short protein forms S340*, S192*.
Identifiers: ClinVar variation 372321 (VCV000372321.5), dbSNP rs1057517714, ClinGen allele CA16043335.

ClinVar aggregate classification (germline): Pathogenic. Review status: criteria provided, multiple submitters, no conflicts (2 of 4 stars). 3 submissions from 3 submitters: Pathogenic (3). Last evaluated 2026-01-26.

Conditions:
Choroideremia. Also called: Chorioretinal scalloped atrophy. Identifiers: Orphanet 180, MedGen C0008525, MONDO:0010557, OMIM 303100, HP:0001139.

Submissions (3):

Medical and Scientific Branch, Hong Kong Genome Institute
Classification: Pathogenic for Choroideremia. Last evaluated: 2026-01-26. Review status: criteria provided, single submitter. Criteria: ACMG Guidelines, 2015. Collection method: clinical testing. Allele origin: unknown. Affected: yes.

Labcorp Genetics (formerly Invitae), Labcorp
Classification: Pathogenic. Last evaluated: 2024-05-09. Review status: criteria provided, single submitter. Criteria: Invitae Variant Classification Sherloc (09022015). Collection method: clinical testing. Allele origin: germline.
Comment: This sequence change creates a premature translational stop signal (p.Ser340*) in the CHM gene. It is expected to result in an absent or disrupted protein product. Loss-of-function variants in CHM are known to be pathogenic (PMID: 9067750, 23811034). This variant is not present in population databases (gnomAD no frequency). This premature translational stop signal has been observed in individual(s) with choroideremia (PMID: 27070432). ClinVar contains an entry for this variant (Variation ID: 372321). For these reasons, this variant has been classified as Pathogenic.

GeneDx
Classification: Pathogenic. Last evaluated: 2015-08-05. Review status: criteria provided, single submitter. Criteria: GeneDx Variant Classification (06012015). Collection method: clinical testing. Allele origin: germline. Affected: yes.
Comment: The S340X nonsense variant has been reported previously in association with choroideremia (Trujillo et al., 1998 and McTaggart et al., 2002), and is predicted to cause loss of normal protein function either through premature protein truncation or nonsense-mediated mRNA decay. The S340X variant was not observed in approximately 6,500 individuals of European and African American ancestry in the NHLBI Exome Sequencing Project, indicating it is not a common benign variant in these populations. Therefore, we interpret this variant as pathogenic.

Literature cited by the submitters: PubMed 9067750 (cited by Labcorp Genetics (formerly Invitae), Labcorp); PubMed 23811034 (cited by Labcorp Genetics (formerly Invitae), Labcorp); PubMed 27070432 (cited by Labcorp Genetics (formerly Invitae), Labcorp).